The following is an entry in ClinVar:

ClinVar aggregate classification (germline): Likely benign (1 of 4 stars; one submission).

Conditions:
SLC25A6-related disorder. Also called: SLC25A6-related condition.

gnomAD v4.1: 17 of 1,613,148 alleles (0.0011%); highest among the groups gnomAD compares: East Asian, 0.018%; no homozygotes.

Submissions (3):

PreventionGenetics, part of Exact Sciences
Classification: Likely benign for SLC25A6-related condition. Last evaluated: 2025-08-20. Review status: criteria provided, single submitter. Criteria: ACMG Guidelines, 2015. Collection method: clinical testing. Allele origin: germline.
Comment: This variant is classified as likely benign based on ACMG/AMP sequence variant interpretation guidelines (Richards et al. 2015 PMID: 25741868, with internal and published modifications).

Dr. Peter K. Rogan Lab, Western University
No classification provided (evidence only). Condition: Thyroid cancer, nonmedullary, 1. Review status: no classification provided. Collection method: in vitro. Allele origin: not applicable. Functional consequence: retained intron. Not counted in ClinVar's aggregate classification.

Dr. Peter K. Rogan Lab, Western University
No classification provided (evidence only). Condition: Thyroid cancer, nonmedullary, 1. Review status: no classification provided. Collection method: in vitro. Allele origin: not applicable. Functional consequence: skipped exon, retained intron. Not counted in ClinVar's aggregate classification.

NM_001636.4(SLC25A6):c.675C>T (p.Gly225=)

Gene: SLC25A6 (solute carrier family 25 member 6; minus strand). Cytogenetic location: Xp22.33.
Variant type: single nucleotide variant.
Coding change: c.675C>T on transcript NM_001636.4 (MANE Select); coding-DNA position 675, C replaced by T.
Protein change: p.Gly225=; no amino-acid change (glycine 225 retained).
Molecular consequence: synonymous variant.
Genome position (GRCh38, 1-based): chrX:1,387,343, G>A on the plus strand (C>T on the coding strand, the complement: SLC25A6 is on the minus strand). VCF-style: chrX-1387343-G-A. GRCh37 (hg19) VCF-style: chrX-1506236-G-A.
Other names: NC_000023.10:g.1506236G>A; c.675C>T (NM_001636.3).
Identifiers: ClinVar variation 4476206 (VCV004476206.2).
Genomic context (GRCh38, chrX:1,387,343, plus strand): 5'-TTTGCGCCCGGACTGCATCATCATGCGCCGCCGCACCGTGTCGAAGGGGTAGGACACCAC[G>A]CCGGCCACGGCCGTCACGGTCTGCGCGATCATCCAGCTCACCACGATGTGCGTGTTCTTG-3'
Protein context (NP_001627.2, residues 215-235): MIAQTVTAVA[Gly225=]VVSYPFDTVR